The following is an entry in ClinVar:

ClinVar aggregate classification (germline): Uncertain significance (1 of 4 stars; one submission).

Conditions:
Hereditary sensory and autonomic neuropathy type 6. Also called: Neuropathy, hereditary sensory and autonomic, type VI; HSAN VI. Identifiers: Orphanet 314381, MedGen C3539003, MONDO:0013839, OMIM 614653.
Epidermolysis bullosa simplex 3, localized or generalized intermediate, with BP230 deficiency (EBS3). Also called: Epidermolysis bullosa simplex, autosomal recessive 2; Epidermolysis bullosa simplex due to BP230 deficiency. Identifiers: Orphanet 412181, MedGen C3809470, MONDO:0014180, OMIM 615425.

Submission:

Labcorp Genetics (formerly Invitae), Labcorp
Classification: Uncertain significance for Epidermolysis bullosa simplex 3, localized or generalized intermediate, with BP230 deficiency; Hereditary sensory and autonomic neuropathy type 6. Last evaluated: 2020-09-20. Review status: criteria provided, single submitter. Criteria: Invitae Variant Classification Sherloc (09022015). Collection method: clinical testing. Allele origin: germline.
Comment: In summary, the available evidence is currently insufficient to determine the role of this variant in disease. Therefore, it has been classified as a Variant of Uncertain Significance. Algorithms developed to predict the effect of missense changes on protein structure and function are either unavailable or do not agree on the potential impact of this missense change (SIFT: "Deleterious"; PolyPhen-2: "Probably Damaging"; Align-GVGD: "Class C0"). This variant has not been reported in the literature in individuals with DST-related conditions. This variant is not present in population databases (ExAC no frequency). This sequence change replaces phenylalanine with leucine at codon 1074 of the DST protein (p.Phe1074Leu). The phenylalanine residue is highly conserved and there is a small physicochemical difference between phenylalanine and leucine.

NM_001374736.1(DST):c.4831T>C (p.Phe1611Leu)

Gene: DST (dystonin; minus strand). Cytogenetic location: 6p12.1.
Variant type: single nucleotide variant.
Coding change: c.4831T>C on transcript NM_001374736.1 (MANE Select); coding-DNA position 4831, T replaced by C.
Protein change: p.Phe1611Leu; replaces phenylalanine 1611 with leucine.
Molecular consequence: missense variant.
Genome position (GRCh38, 1-based): chr6:56,624,628, A>G on the plus strand (T>C on the coding strand, the complement: DST is on the minus strand). VCF-style: chr6-56624628-A-G. GRCh37 (hg19) VCF-style: chr6-56489426-A-G.
Other names: c.4732T>C, p.Phe1578Leu (NM_001144769.5); c.4318T>C, p.Phe1440Leu (NM_001144770.2); c.4831T>C, p.Phe1611Leu (NM_001374722.1); c.4198T>C, p.Phe1400Leu (NM_001374729.1, NM_001374730.1, NM_001386100.1 and 1 more transcripts); c.4858T>C, p.Phe1620Leu (NM_001374734.1); c.3220T>C, p.Phe1074Leu (NM_001723.7, NM_015548.5); short protein forms F1611L, F1620L, F1440L, F1578L, F1074L, F1400L.
Identifiers: ClinVar variation 1039193 (VCV001039193.9), dbSNP rs2098717477, ClinGen allele CA364572654.